The following is an entry in ClinVar:

ClinVar aggregate classification (germline): Likely benign. Review status: criteria provided, multiple submitters, no conflicts (2 of 4 stars). 3 submissions from 3 submitters: Likely benign (3). Last evaluated 2025-08-25.

Conditions:
SLC25A46-related disorder. Also called: SLC25A46-related condition.
Neuropathy, hereditary motor and sensory, type 6B (HMSN6B). Also called: NEUROPATHY, HEREDITARY MOTOR AND SENSORY, TYPE VIB, WITH OPTIC ATROPHY; Neuropathy, hereditary motor and sensory, type VIB; HMSN VIB; CHARCOT-MARIE-TOOTH DISEASE, TYPE 6B. Identifiers: MedGen C4225302, MONDO:0014671, OMIM 616505.

Allele frequency attached by ClinVar (database versions not stated): TOPMed below 0.00001; gnomAD 0.00001.
gnomAD v4.1: 5 of 1,548,780 alleles (0.00032%); highest among the groups gnomAD compares: East Asian, 0.0024%; no homozygotes.

Submissions (3):

Labcorp Genetics (formerly Invitae), Labcorp
Classification: Likely benign for Neuropathy, hereditary motor and sensory, type 6B. Last evaluated: 2025-08-25. Review status: criteria provided, single submitter. Criteria: Invitae Variant Classification Sherloc (09022015). Collection method: clinical testing. Allele origin: germline.

PreventionGenetics, part of Exact Sciences
Classification: Likely benign for SLC25A46-related condition. Last evaluated: 2024-11-19. Review status: criteria provided, single submitter. Criteria: ACMG Guidelines, 2015. Collection method: clinical testing. Allele origin: germline.
Comment: This variant is classified as likely benign based on ACMG/AMP sequence variant interpretation guidelines (Richards et al. 2015 PMID: 25741868, with internal and published modifications).

Blueprint Genetics
Classification: Likely benign. Last evaluated: 2024-06-11. Review status: criteria provided, single submitter. Criteria: ACMG Guidelines, 2015. Collection method: clinical testing. Allele origin: germline.

NM_138773.4(SLC25A46):c.261C>A (p.Gly87=)

Gene: SLC25A46 (solute carrier family 25 member 46; plus strand). Cytogenetic location: 5q22.1.
Variant type: single nucleotide variant.
Coding change: c.261C>A on transcript NM_138773.4 (MANE Select); coding-DNA position 261, C replaced by A.
Protein change: p.Gly87=; no amino-acid change (glycine 87 retained).
Molecular consequence: synonymous variant. On other transcripts: non-coding transcript variant (1), intron variant (1).
Genome position (GRCh38, 1-based): chr5:110,739,380, C>A. VCF-style: chr5-110739380-C-A. GRCh37 (hg19) VCF-style: chr5-110075081-C-A.
Other names: c.261C>A, p.Gly87= (NM_001303249.3); c.10+1133C>A (NM_001303250.3); c.261C>A (NM_138773.3).
Identifiers: ClinVar variation 1154657 (VCV001154657.11), dbSNP rs955762085, ClinGen allele CA125342549.